The following is an entry in ClinVar:

ClinVar aggregate classification (germline): Uncertain significance. Review status: criteria provided, multiple submitters, no conflicts (2 of 4 stars). 2 submissions from 2 submitters: Uncertain significance (2). Last evaluated 2025-10-14.

Conditions:
Loeys-Dietz syndrome 2 (LDS2). Also called: Marfan Syndrome type 2; Marfan like connective tissue disorder; MFS 2; TGFBR2-Related Loeys-Dietz Syndrome; AORTIC ANEURYSM, FAMILIAL THORACIC 3; Marfan syndrome, type 2 (formerly). Identifiers: Orphanet 284973, Orphanet 558, MedGen C2674574, MONDO:0012427, OMIM 610168.

Allele frequency attached by ClinVar (database versions not stated): gnomAD 0.00001; ExAC 0.00002; gnomAD exomes 0.00002.

Submissions (2):

Ambry Genetics
Classification: Uncertain significance. Last evaluated: 2025-10-14. Review status: criteria provided, single submitter. Criteria: Ambry Variant Classification Scheme 2023. Collection method: clinical testing. Allele origin: germline.
Comment: The p.H300R variant (also known as c.899A>G), located in coding exon 4 of the TMPO gene, results from an A to G substitution at nucleotide position 899. The histidine at codon 300 is replaced by arginine, an amino acid with highly similar properties. This amino acid position is conserved. In addition, this alteration is predicted to be tolerated by in silico analysis. Since supporting evidence is limited at this time, the clinical significance of this alteration remains unclear.

Labcorp Genetics (formerly Invitae), Labcorp
Classification: Uncertain significance for Loeys-Dietz syndrome 2. Last evaluated: 2024-10-02. Review status: criteria provided, single submitter. Criteria: Invitae Variant Classification Sherloc (09022015). Collection method: clinical testing. Allele origin: germline.
Comment: This sequence change replaces histidine, which is basic and polar, with arginine, which is basic and polar, at codon 300 of the TMPO protein (p.His300Arg). This variant is present in population databases (rs754640974, gnomAD 0.004%). This variant has not been reported in the literature in individuals affected with TMPO-related conditions. ClinVar contains an entry for this variant (Variation ID: 959223). Invitae Evidence Modeling of protein sequence and biophysical properties (such as structural, functional, and spatial information, amino acid conservation, physicochemical variation, residue mobility, and thermodynamic stability) indicates that this missense variant is not expected to disrupt TMPO protein function with a negative predictive value of 80%. In summary, the available evidence is currently insufficient to determine the role of this variant in disease. Therefore, it has been classified as a Variant of Uncertain Significance.

NM_001032283.3(TMPO):c.565+1318A>G

Gene: TMPO (thymopoietin; plus strand). Cytogenetic location: 12q23.1.
Variant type: single nucleotide variant.
Coding change: c.565+1318A>G on transcript NM_001032283.3 (MANE Select); 1318 bases into the intron after coding-DNA position 565, A replaced by G.
Molecular consequence: intron variant. On other transcripts: missense variant (1).
Genome position (GRCh38, 1-based): chr12:98,533,156, A>G. VCF-style: chr12-98533156-A-G. GRCh37 (hg19) VCF-style: chr12-98926934-A-G.
Other names: c.899A>G, p.His300Arg (NM_003276.2); c.565+1318A>G (NM_001307975.2, NM_001032284.3); short protein forms H300R.
Identifiers: ClinVar variation 959223 (VCV000959223.13), dbSNP rs754640974, ClinGen allele CA6732310.
Genomic context (GRCh38, chr12:98,533,156, plus strand): 5'-GCAAGTCTAGCCATGATAGGTGTTTAGAGAAAAGTTCTTCGTCATCTTCTCAGCCTGAAC[A>G]CAGTGCCATGTTGGTCTCTACTGCAGCTTCTCCTTCACTGATTAAAGAAACCACCACTGG-3'